The following is an entry in ClinVar:

NM_000141.5(FGFR2):c.43A>C (p.Met15Leu)

Gene: FGFR2 (fibroblast growth factor receptor 2; minus strand). Cytogenetic location: 10q26.13.
Variant type: single nucleotide variant.
Coding change: c.43A>C on transcript NM_000141.5 (MANE Select); coding-DNA position 43, A replaced by C.
Protein change: p.Met15Leu; replaces methionine 15 with leucine.
Molecular consequence: missense variant. On other transcripts: non-coding transcript variant (1).
Genome position (GRCh38, 1-based): chr10:121,593,775, T>G on the plus strand (A>C on the coding strand, the complement: FGFR2 is on the minus strand). VCF-style: chr10-121593775-T-G. GRCh37 (hg19) VCF-style: chr10-123353289-T-G.
Other names: c.43A>C, p.Met15Leu (NM_001144913.1, NM_001144914.1, NM_001144915.2 and 7 more transcripts); short protein forms M15L.
Identifiers: ClinVar variation 3591126 (VCV003591126.3).

ClinVar aggregate classification (germline): Uncertain significance. Review status: criteria provided, multiple submitters, no conflicts (2 of 4 stars). 2 submissions from 2 submitters: Uncertain significance (2). Last evaluated 2024-02-22.

Conditions:
Jackson-Weiss syndrome (JWS). Also called: CRANIOSYNOSTOSIS, MIDFACIAL HYPOPLASIA, AND FOOT ABNORMALITIES. Identifiers: Orphanet 1540, MedGen C0795998, MONDO:0007400, OMIM 123150. Disease mechanism: loss of function.
Beare-Stevenson cutis gyrata syndrome (BSTVS). Identifiers: Orphanet 1555, MedGen C1852406, MONDO:0007412, OMIM 123790.
Pfeiffer syndrome (ACS5). Also called: ACS V. Identifiers: Orphanet 710, MedGen C0220658, MONDO:0007043, OMIM 101600.
Bent bone dysplasia syndrome 1 (BBDS1). Also called: FGFR2-related bent bone dysplasia. Identifiers: Orphanet 313855, MedGen C3281247, MONDO:0013815, OMIM 614592.
Gastric cancer. Also called: Malignant tumor of stomach; Stomach cancer. Identifiers: MedGen C0024623, MeSH D013274, MONDO:0001056, OMIM 613659, HP:0012126.
Antley-Bixler syndrome without genital anomalies or disordered steroidogenesis (ABS2). Also called: Antley-Bixler Syndrome, Autosomal Dominant; Trapezoidocephaly synostosis syndrome; Osteodysgenesis, multisynostotic with fractures; MULTISYNOSTOTIC OSTEODYSGENESIS WITH LONG BONE FRACTURES. Identifiers: Orphanet 596008, Orphanet 83, MedGen C2936791, MONDO:0020667, OMIM 207410.
Crouzon syndrome. Also called: Craniofacial dysostosis type 1; Crouzon craniofacial dysostosis; Crouzon disease; Craniofacial dysostosis; CRANIOFACIAL DYSOSTOSIS, TYPE I. Identifiers: Orphanet 207, MedGen C0010273, MeSH D003394, MONDO:0007405, OMIM 123500, HP:0004439.
Saethre-Chotzen syndrome (SCS). Also called: ACROCEPHALY, SKULL ASYMMETRY, AND MILD SYNDACTYLY; ACS III; CHOTZEN SYNDROME. Identifiers: Orphanet 794, MedGen C0175699, MONDO:0007042, OMIM 101400.
Familial scaphocephaly syndrome, McGillivray type. Also called: SCAPHOCEPHALY, MAXILLARY RETRUSION, AND IMPAIRED INTELLECTUAL DEVELOPMENT. Identifiers: Orphanet 168624, MedGen C1865070, MONDO:0012307, OMIM 609579.
LADD syndrome 1 (LADD1). Also called: Lacrimoauriculodentodigital syndrome 1. Identifiers: MedGen C5774323, MONDO:0100302, OMIM 149730.
Acrocephalosyndactyly type I (ACS1). Also called: Acrocephalo-syndactyly type 1; ACS 1; Syndactylic oxycephaly; Apert syndrome. Identifiers: Orphanet 87, MedGen C0001193, MONDO:0007041, OMIM 101200.

Submissions (2):

Fulgent Genetics
Classification: Uncertain significance for Acrocephalosyndactyly type I; Saethre-Chotzen syndrome; Pfeiffer syndrome; Jackson-Weiss syndrome; Crouzon syndrome; Beare-Stevenson cutis gyrata syndrome; LADD syndrome 1; Antley-Bixler syndrome without genital anomalies or disordered steroidogenesis; Familial scaphocephaly syndrome, McGillivray type; Gastric cancer; Bent bone dysplasia syndrome 1. Last evaluated: 2024-02-22. Review status: criteria provided, single submitter. Criteria: ACMG Guidelines, 2015. Collection method: clinical testing. Allele origin: germline.

Juno Genomics, Hangzhou Juno Genomics, Inc
Classification: Uncertain significance for Saethre-Chotzen syndrome; Familial scaphocephaly syndrome, McGillivray type; LADD syndrome 1; Gastric cancer; Antley-Bixler syndrome without genital anomalies or disordered steroidogenesis; Acrocephalosyndactyly type I; Beare-Stevenson cutis gyrata syndrome; Bent bone dysplasia syndrome 1; Pfeiffer syndrome; Crouzon syndrome; Jackson-Weiss syndrome. Review status: criteria provided, single submitter. Criteria: ACMG Guidelines, 2015. Collection method: clinical testing. Allele origin: germline.
Comment: Absent from controls (or at extremely low frequency if recessive) in Genome Aggregation Database.;Missense variant in a gene that has a low rate of benign missense variation.